The following is an entry in ClinVar:

ClinVar aggregate classification (germline): Uncertain significance (1 of 4 stars; one submission).

Conditions:
Deficiency of hyaluronoglucosaminidase (MPS9). Also called: MPS IX; Mucopolysaccharidosis type 9; HYALURONIDASE DEFICIENCY. Identifiers: Orphanet 67041, MedGen C1291490, MONDO:0011093, OMIM 601492.

Allele frequency attached by ClinVar (database versions not stated): gnomAD exomes 0.00001.
gnomAD v4.1: 19 of 1,614,168 alleles (0.0012%); highest among the groups gnomAD compares: South Asian, 0.0022%; no homozygotes.

Submission:

Labcorp Genetics (formerly Invitae), Labcorp
Classification: Uncertain significance for Deficiency of hyaluronoglucosaminidase. Last evaluated: 2021-09-17. Review status: criteria provided, single submitter. Criteria: Invitae Variant Classification Sherloc (09022015). Collection method: clinical testing. Allele origin: germline.
Comment: This sequence change replaces arginine with histidine at codon 136 of the HYAL1 protein (p.Arg136His). The arginine residue is moderately conserved and there is a small physicochemical difference between arginine and histidine. This variant is present in population databases (rs376279134, ExAC 0.009%). This variant has not been reported in the literature in individuals with HYAL1-related conditions. Algorithms developed to predict the effect of missense changes on protein structure and function are either unavailable or do not agree on the potential impact of this missense change (SIFT: "Deleterious"; PolyPhen-2: "Probably Damaging"; Align-GVGD: "Class C0"). In summary, the available evidence is currently insufficient to determine the role of this variant in disease. Therefore, it has been classified as a Variant of Uncertain Significance.

NM_033159.4(HYAL1):c.407G>A (p.Arg136His)

Gene: HYAL1 (hyaluronidase 1; minus strand). Cytogenetic location: 3p21.31.
Variant type: single nucleotide variant.
Coding change: c.407G>A on transcript NM_033159.4 (MANE Select); coding-DNA position 407, G replaced by A.
Protein change: p.Arg136His; replaces arginine 136 with histidine.
Molecular consequence: missense variant. On other transcripts: 5 prime UTR variant (1), non-coding transcript variant (1), intron variant (1).
Genome position (GRCh38, 1-based): chr3:50,302,550, C>T on the plus strand (G>A on the coding strand, the complement: HYAL1 is on the minus strand). VCF-style: chr3-50302550-C-T. GRCh37 (hg19) VCF-style: chr3-50339981-C-T.
Other names: c.407G>A, p.Arg136His (NM_153281.2, NM_153282.3); c.-140G>A (NM_153283.3); c.-26-345G>A (NM_153285.3); short protein forms R136H.
Identifiers: ClinVar variation 1503684 (VCV001503684.5), dbSNP rs376279134, ClinGen allele CA2415957.